The following is an entry in ClinVar:

ClinVar aggregate classification (germline): Likely pathogenic (1 of 4 stars; one submission).

Conditions:
Dilated cardiomyopathy 1G (CMD1G). Identifiers: Orphanet 154, MedGen C1858763, MONDO:0011400, OMIM 604145.
Autosomal recessive limb-girdle muscular dystrophy type 2J (LGMDR10). Also called: Limb-girdle muscular dystrophy, type 2J; MUSCULAR DYSTROPHY, LIMB-GIRDLE, AUTOSOMAL RECESSIVE 10. Identifiers: Orphanet 140922, MedGen C1837342, MONDO:0012127, OMIM 608807.

Submission:

Labcorp Genetics (formerly Invitae), Labcorp
Classification: Likely pathogenic for Dilated cardiomyopathy 1G; Autosomal recessive limb-girdle muscular dystrophy type 2J. Last evaluated: 2024-10-18. Review status: criteria provided, single submitter. Criteria: Invitae Variant Classification Sherloc (09022015). Collection method: clinical testing. Allele origin: germline.
Comment: This sequence change creates a premature translational stop signal (p.Met4466Argfs*4) in the TTN gene. While this is not anticipated to result in nonsense mediated decay, it is expected to create a truncated TTN protein. This variant is not present in population databases (gnomAD no frequency). This variant has not been reported in the literature in individuals affected with TTN-related conditions. ClinVar contains an entry for this variant (Variation ID: 2107681). This variant is located in the I band of TTN (PMID: 25589632). Truncating variants in this region have been reported in individuals affected with autosomal recessive centronuclear myopathy (PMID: 23975875, internal data). Truncating variants in this region have also been identified in individuals affected with autosomal dominant dilated cardiomyopathy and/or cardio-related conditions (PMID: 27869827, 32964742, internal data). In summary, the currently available evidence indicates that the variant is pathogenic, but additional data are needed to prove that conclusively. Therefore, this variant has been classified as Likely Pathogenic.

Literature cited by the submitters: PubMed 25589632; PubMed 23975875; PubMed 27869827; PubMed 32964742.

NM_001267550.2(TTN):c.13397del (p.Met4466fs)

Gene: TTN (titin; minus strand). Cytogenetic location: 2q31.2.
Variant type: Deletion.
Coding change: c.13397del on transcript NM_001267550.2 (MANE Select); coding-DNA position 13397, one base deleted (T; older notation c.13397delT).
Protein change: p.Met4466fs; shifts the reading frame from methionine 4466.
Molecular consequence: frameshift variant. On other transcripts: intron variant (1).
Genome position (GRCh38, 1-based): chr2:178,739,836, A deleted on the plus strand (T on the coding strand, the reverse complement: TTN is on the minus strand). VCF-style (leftmost placement, unchanged base first): chr2-178739835-CA-C. GRCh37 (hg19) VCF-style: chr2-179604562-CA-C.
Other names: c.12446del, p.Met4149fs (NM_001256850.1); c.12308del, p.Met4103fs (NM_003319.4); c.12683del, p.Met4228fs (NM_133432.3); c.12884del, p.Met4295fs (NM_133437.4); c.10361-1476del (NM_133378.4); short protein forms M4466fs, M4103fs, M4228fs, M4295fs, M4149fs.
Identifiers: ClinVar variation 2107681 (VCV002107681.4), dbSNP rs2530625791, ClinGen allele CA2580065101.
Genomic context (GRCh38, chr2:178,739,835, plus strand): 5'-GTCTATTTCCTCATATATAATAGCACACAAAGCATCCCTAAGTTCCATTTTCAGGTTAGC[CA>C]TTTGAGGATCAACATCTTCAATAATGATGGTTACTTCTTCTGTTACAGACTTTGCCGAAG-3'